The following is an entry in ClinVar:

NM_001164508.2(NEB):c.4069del (p.His1357fs)

Gene: NEB (nebulin; minus strand). Cytogenetic location: 2q23.3.
Variant type: Deletion.
Coding change: c.4069del on transcript NM_001164508.2 (MANE Select); coding-DNA position 4069, one base deleted (C; older notation c.4069delC).
Protein change: p.His1357fs; shifts the reading frame from histidine 1357.
Molecular consequence: frameshift variant.
Genome position (GRCh38, 1-based): chr2:151,672,599, G deleted on the plus strand (C on the coding strand, the reverse complement: NEB is on the minus strand); the first of 2 consecutive G bases (chr2:151,672,599-151,672,600); deleting either gives the same sequence. VCF-style (leftmost placement, unchanged base first): chr2-151672598-TG-T. GRCh37 (hg19) VCF-style: chr2-152529112-TG-T.
Other names: c.4069del, p.His1357fs (NM_001164507.2, NM_001271208.2, NM_004543.5); short protein forms H1357fs.
Identifiers: ClinVar variation 2882634 (VCV002882634.3), dbSNP rs2552260663, ClinGen allele CA2739271242.
Genomic context (GRCh38, chr2:151,672,598, plus strand): 5'-GTGTTCTCATAGTTCTTCTTGTATTCACGATCAGACTGCAGCTTTGCCACATTCATATAG[TG>T]GACCAGCTTGGGATCATCCTGGAGGCTTCTGAAACCCACATGCTTTCCCTTTGACTTCTC-3'

ClinVar aggregate classification (germline): Pathogenic (1 of 4 stars; one submission).

Conditions:
Nemaline myopathy 2 (NEM2). Also called: Nemaline myopathy 2, autosomal recessive. Identifiers: MedGen C1850569, MONDO:0009725, OMIM 256030.

Submission:

Labcorp Genetics (formerly Invitae), Labcorp
Classification: Pathogenic for Nemaline myopathy 2. Last evaluated: 2023-01-31. Review status: criteria provided, single submitter. Criteria: Invitae Variant Classification Sherloc (09022015). Collection method: clinical testing. Allele origin: germline.
Comment: This sequence change creates a premature translational stop signal (p.His1357Thrfs*3) in the NEB gene. It is expected to result in an absent or disrupted protein product. Loss-of-function variants in NEB are known to be pathogenic (PMID: 25205138). This variant is not present in population databases (gnomAD no frequency). This variant has not been reported in the literature in individuals affected with NEB-related conditions. For these reasons, this variant has been classified as Pathogenic.

Literature cited by the submitters: PubMed 25205138.